The following is an entry in ClinVar:

NM_017637.6(BNC2):c.2761T>C (p.Tyr921His)

Gene: BNC2 (basonuclin zinc finger protein 2; minus strand). Cytogenetic location: 9p22.3.
Variant type: single nucleotide variant.
Coding change: c.2761T>C on transcript NM_017637.6 (MANE Select); coding-DNA position 2761, T replaced by C.
Protein change: p.Tyr921His; replaces tyrosine 921 with histidine.
Molecular consequence: missense variant. On other transcripts: 3 prime UTR variant (1).
Genome position (GRCh38, 1-based): chr9:16,419,528, A>G on the plus strand (T>C on the coding strand, the complement: BNC2 is on the minus strand). VCF-style: chr9-16419528-A-G. GRCh37 (hg19) VCF-style: chr9-16419526-A-G.
Other names: c.*105T>C (NM_001317939.2); c.2476T>C, p.Tyr826His (NM_001317940.2); short protein forms Y826H, Y921H.
Identifiers: ClinVar variation 2592561 (VCV002592561.4), dbSNP rs370230174, ClinGen allele CA4995700.

ClinVar aggregate classification (germline): Uncertain significance. Review status: criteria provided, multiple submitters, no conflicts (2 of 4 stars). 2 submissions from 2 submitters: Uncertain significance (2). Last evaluated 2025-08-15.

Conditions:
Inborn genetic diseases. Identifiers: MedGen C0950123, MeSH D030342.

Allele frequency attached by ClinVar (database versions not stated): gnomAD exomes 0.00006; gnomAD 0.00009; ESP Exome Variant Server 0.00008; ExAC 0.00010; TOPMed 0.00007.
gnomAD v4.1: 103 of 1,614,050 alleles (0.0064%); highest among the groups gnomAD compares: Middle Eastern, 0.13%; no homozygotes.

Submissions (2):

Labcorp Genetics (formerly Invitae), Labcorp
Classification: Uncertain significance. Last evaluated: 2025-08-15. Review status: criteria provided, single submitter. Criteria: Invitae Variant Classification Sherloc (09022015). Collection method: clinical testing. Allele origin: germline.
Comment: This sequence change replaces tyrosine, which is neutral and polar, with histidine, which is basic and polar, at codon 921 of the BNC2 protein (p.Tyr921His). This variant is present in population databases (rs370230174, gnomAD 0.03%). This variant has not been reported in the literature in individuals affected with BNC2-related conditions. ClinVar contains an entry for this variant (Variation ID: 2592561). An algorithm developed to predict the effect of missense changes on protein structure and function (PolyPhen-2) suggests that this variant is likely to be disruptive. In summary, the available evidence is currently insufficient to determine the role of this variant in disease. Therefore, it has been classified as a Variant of Uncertain Significance.

Ambry Genetics
Classification: Uncertain significance for Inborn genetic diseases. Last evaluated: 2023-07-12. Review status: criteria provided, single submitter. Criteria: Ambry Variant Classification Scheme 2023. Collection method: clinical testing. Allele origin: germline.